The following is an entry in ClinVar:

ClinVar aggregate classification (germline): Likely benign (1 of 4 stars; one submission).

Conditions:
ELN-related disorder.

gnomAD v4.1: 1 of 1,614,220 alleles (0.000062%); highest among the groups gnomAD compares: Non-Finnish European, 0.000085%; no homozygotes.

Submission:

PreventionGenetics, part of Exact Sciences
Classification: Likely benign for ELN-related condition. Last evaluated: 2026-06-17. Review status: criteria provided, single submitter. Criteria: ACMG Guidelines, 2015. Collection method: clinical testing. Allele origin: germline.
Comment: This variant is classified as likely benign based on ACMG/AMP sequence variant interpretation guidelines (Richards et al. 2015 PMID: 25741868, with internal and published modifications).

NM_000501.4(ELN):c.957T>C (p.Ala319=)

Gene: ELN (elastin; plus strand). Cytogenetic location: 7q11.23.
Variant type: single nucleotide variant.
Coding change: c.957T>C on transcript NM_000501.4 (MANE Select); coding-DNA position 957, T replaced by C.
Protein change: p.Ala319=; no amino-acid change (alanine 319 retained).
Molecular consequence: synonymous variant.
Genome position (GRCh38, 1-based): chr7:74,053,170, T>C. VCF-style: chr7-74053170-T-C. GRCh37 (hg19) VCF-style: chr7-73467500-T-C.
Other names: c.927T>C, p.Ala309= (NM_001081752.3, NM_001278917.2); c.972T>C, p.Ala324= (NM_001081753.3, NM_001081754.3); c.957T>C, p.Ala319= (NM_001081755.3, NM_001278912.2, NM_001278915.2 and 1 more transcripts); c.849T>C, p.Ala283= (NM_001278913.2); c.942T>C, p.Ala314= (NM_001278914.2); c.915T>C, p.Ala305= (NM_001278916.2); c.825T>C, p.Ala275= (NM_001278918.2).
Identifiers: ClinVar variation 4994692 (VCV004994692.1).